The following is an entry in ClinVar:

ClinVar aggregate classification (germline): Uncertain significance (1 of 4 stars; one submission).

Conditions:
Mitochondrial hypertrophic cardiomyopathy with lactic acidosis due to MTO1 deficiency. Also called: CARDIOMYOPATHY, INFANTILE HYPERTROPHIC MITOCHONDRIAL, AND LACTIC ACIDOSIS; Combined oxidative phosphorylation deficiency 10. Identifiers: Orphanet 314637, MedGen C4749921, MONDO:0013865, OMIM 614702.

Allele frequency attached by ClinVar (database versions not stated): gnomAD 0.00001 and 0.00002; TOPMed 0.00002; ESP Exome Variant Server 0.00008.
gnomAD v4.1: 12 of 1,614,102 alleles (0.00074%); highest among the groups gnomAD compares: East Asian, 0.0089%; no homozygotes.

Submission:

Labcorp Genetics (formerly Invitae), Labcorp
Classification: Uncertain significance for Mitochondrial hypertrophic cardiomyopathy with lactic acidosis due to MTO1 deficiency. Last evaluated: 2021-08-30. Review status: criteria provided, single submitter. Criteria: Invitae Variant Classification Sherloc (09022015). Collection method: clinical testing. Allele origin: germline.
Comment: In summary, this variant is a rare missense change with uncertain impact on protein function. There is no indication that it causes disease, but the available evidence is currently insufficient to prove that conclusively. Therefore, it has been classified as a Variant of Uncertain Significance. Algorithms developed to predict the effect of missense changes on protein structure and function do not agree on the potential impact of this missense change (SIFT: "Deleterious"; PolyPhen-2: "Benign"; Align-GVGD: "Class C0"). This variant is present in population databases (rs368723563, ExAC 0.01%) but has not been reported in the literature in individuals with a MTO1-related disease. This sequence change replaces arginine with tryptophan at codon 24 of the MTO1 protein (p.Arg24Trp). The arginine residue is moderately conserved and there is a moderate physicochemical difference between arginine and tryptophan.

NM_012123.4(MTO1):c.70C>T (p.Arg24Trp)

Gene: MTO1 (mitochondrial tRNA translation optimization 1; plus strand). Cytogenetic location: 6q13.
Variant type: single nucleotide variant.
Coding change: c.70C>T on transcript NM_012123.4 (MANE Select); coding-DNA position 70, C replaced by T.
Protein change: p.Arg24Trp; replaces arginine 24 with tryptophan.
Molecular consequence: missense variant.
Genome position (GRCh38, 1-based): chr6:73,461,924, C>T. VCF-style: chr6-73461924-C-T. GRCh37 (hg19) VCF-style: chr6-74171647-C-T.
Other names: c.70C>T, p.Arg24Trp (NM_001123226.2, NM_133645.3); short protein forms R24W.
Identifiers: ClinVar variation 408275 (VCV000408275.7), dbSNP rs368723563, ClinGen allele CA3889216.